The following is an entry in ClinVar:

ClinVar aggregate classification (germline): Uncertain significance. Review status: criteria provided, multiple submitters, no conflicts (2 of 4 stars). 4 submissions from 4 submitters: Uncertain significance (3). 1 of the submissions does not count toward it. Last evaluated 2025-05-02.

Conditions:
Cardiovascular phenotype. Identifiers: MedGen CN230736.
Walker-Warburg congenital muscular dystrophy. Also called: Muscular dystrophy-dystroglycanopathy, type A; Walker-Warburg syndrome. Identifiers: Orphanet 899, MedGen C0265221, MONDO:0000171.
Autosomal recessive limb-girdle muscular dystrophy type 2I. Also called: MUSCULAR DYSTROPHY-DYSTROGLYCANOPATHY (LIMB-GIRDLE), TYPE C, 5; MUSCULAR DYSTROPHY-DYSTROGLYCANOPATHY, LIMB-GIRDLE, FRKP-RELATED; MUSCULAR DYSTROPHY, LIMB-GIRDLE, TYPE 2I. Identifiers: Orphanet 34515, MedGen C1846672, MONDO:0011787, OMIM 607155.

Allele frequency attached by ClinVar (database versions not stated): gnomAD 0.00001.
gnomAD v4.1: 6 of 1,609,110 alleles (0.00037%); highest among the groups gnomAD compares: East Asian, 0.0045%; no homozygotes.

Submissions (4):

Ambry Genetics
Classification: Uncertain significance for Cardiovascular phenotype. Last evaluated: 2025-05-02. Review status: criteria provided, single submitter. Criteria: Ambry Variant Classification Scheme 2023. Collection method: clinical testing. Allele origin: germline.
Comment: The p.Q28E variant (also known as c.82C>G), located in coding exon 1 of the FKRP gene, results from a C to G substitution at nucleotide position 82. The glutamine at codon 28 is replaced by glutamic acid, an amino acid with highly similar properties. This amino acid position is conserved. In addition, the in silico prediction for this alteration is inconclusive. Based on the available evidence, the clinical significance of this variant remains unclear.

Labcorp Genetics (formerly Invitae), Labcorp
Classification: Uncertain significance for Walker-Warburg congenital muscular dystrophy. Last evaluated: 2022-06-14. Review status: criteria provided, single submitter. Criteria: Invitae Variant Classification Sherloc (09022015). Collection method: clinical testing. Allele origin: germline.
Comment: This sequence change replaces glutamine, which is neutral and polar, with glutamic acid, which is acidic and polar, at codon 28 of the FKRP protein (p.Gln28Glu). This variant is present in population databases (no rsID available, gnomAD 0.02%). This variant has not been reported in the literature in individuals affected with FKRP-related conditions. ClinVar contains an entry for this variant (Variation ID: 408722). Algorithms developed to predict the effect of missense changes on protein structure and function (SIFT, PolyPhen-2, Align-GVGD) all suggest that this variant is likely to be tolerated. In summary, the available evidence is currently insufficient to determine the role of this variant in disease. Therefore, it has been classified as a Variant of Uncertain Significance.

Eurofins Ntd Llc (ga)
Classification: Uncertain significance. Last evaluated: 2016-10-21. Review status: criteria provided, single submitter. Criteria: EGL Classification Definitions 2015. Collection method: clinical testing. Allele origin: germline. Observed: 1 variant allele, 1 heterozygote.

Natera, Inc.
Classification: Uncertain significance for Limb-girdle muscular dystrophy type 2I. Last evaluated: 2020-02-26. Review status: no assertion criteria provided. Collection method: clinical testing. Allele origin: germline. Not counted in ClinVar's aggregate classification.

NM_024301.5(FKRP):c.82C>G (p.Gln28Glu)

Gene: FKRP (fukutin related protein; plus strand). Cytogenetic location: 19q13.32.
Variant type: single nucleotide variant.
Coding change: c.82C>G on transcript NM_024301.5 (MANE Select); coding-DNA position 82, C replaced by G.
Protein change: p.Gln28Glu; replaces glutamine 28 with glutamic acid.
Molecular consequence: missense variant.
Genome position (GRCh38, 1-based): chr19:46,755,532, C>G. VCF-style: chr19-46755532-C-G. GRCh37 (hg19) VCF-style: chr19-47258789-C-G.
Other names: c.82C>G, p.Gln28Glu (NM_001039885.3); short protein forms Q28E.
Identifiers: ClinVar variation 408722 (VCV000408722.8), dbSNP rs1060502110, ClinGen allele CA16616295.
Genomic context (GRCh38, chr19:46,755,532, plus strand): 5'-GCTGCCCTGGCGGCCGCCATCACCCTCAACCTTCTGGTCCTCTTCTATGTCTCGTGGCTG[C>G]AGCACCAGCCTAGGAATTCCCGGGCCCGGGGGCCCCGTCGTGCCTCTGCTGCCGGCCCCC-3'
Protein context (NP_077277.1, residues 18-38): LLVLFYVSWL[Gln28Glu]HQPRNSRARG